The following is an entry in ClinVar:

NM_015073.3(SIPA1L3):c.967G>A (p.Glu323Lys)

Gene: SIPA1L3 (signal induced proliferation associated 1 like 3; plus strand). Cytogenetic location: 19q13.13.
Variant type: single nucleotide variant.
Coding change: c.967G>A on transcript NM_015073.3 (MANE Select); coding-DNA position 967, G replaced by A.
Protein change: p.Glu323Lys; replaces glutamic acid 323 with lysine.
Molecular consequence: missense variant.
Genome position (GRCh38, 1-based): chr19:38,082,532, G>A. VCF-style: chr19-38082532-G-A. GRCh37 (hg19) VCF-style: chr19-38573172-G-A.
Other names: short protein forms E323K.
Identifiers: ClinVar variation 3442094 (VCV003442094.2).

ClinVar aggregate classification (germline): Uncertain significance. Review status: criteria provided, multiple submitters, no conflicts (2 of 4 stars). 2 submissions from 2 submitters: Uncertain significance (2). Last evaluated 2025-12-21.

gnomAD v4.1: 59 of 1,598,664 alleles (0.0037%); highest among the groups gnomAD compares: Non-Finnish European, 0.0043%; no homozygotes.

Submissions (2):

Labcorp Genetics (formerly Invitae), Labcorp
Classification: Uncertain significance. Last evaluated: 2025-12-21. Review status: criteria provided, single submitter. Criteria: Invitae Variant Classification Sherloc (09022015). Collection method: clinical testing. Allele origin: germline.
Comment: This sequence change replaces glutamic acid, which is acidic and polar, with lysine, which is basic and polar, at codon 323 of the SIPA1L3 protein (p.Glu323Lys). This variant is present in population databases (rs771614621, gnomAD 0.007%). This variant has not been reported in the literature in individuals affected with SIPA1L3-related conditions. ClinVar contains an entry for this variant (Variation ID: 3442094). An algorithm developed to predict the effect of missense changes on protein structure and function (PolyPhen-2) suggests that this variant is likely to be tolerated. In summary, the available evidence is currently insufficient to determine the role of this variant in disease. Therefore, it has been classified as a Variant of Uncertain Significance.

Ambry Genetics
Classification: Uncertain significance. Last evaluated: 2024-07-14. Review status: criteria provided, single submitter. Criteria: Ambry Variant Classification Scheme 2023. Collection method: clinical testing. Allele origin: germline.